The following is an entry in ClinVar:

ClinVar aggregate classification (germline): Uncertain significance (1 of 4 stars; one submission).

Conditions:
Inborn genetic diseases. Identifiers: MedGen C0950123, MeSH D030342.

Submission:

Ambry Genetics
Classification: Uncertain significance for Inborn genetic diseases. Last evaluated: 2025-08-24. Review status: criteria provided, single submitter. Criteria: Ambry Variant Classification Scheme 2023. Collection method: clinical testing. Allele origin: germline.
Comment: The p.H339L variant (also known as c.1016A>T), located in coding exon 8 of the FANCG gene, results from an A to T substitution at nucleotide position 1016. The histidine at codon 339 is replaced by leucine, an amino acid with similar properties. This amino acid position is conserved. In addition, this alteration is predicted to be tolerated by in silico analysis. Based on the available evidence, the clinical significance of this variant remains unclear.

NM_004629.2(FANCG):c.1016A>T (p.His339Leu)

Gene: FANCG (FA complementation group G; minus strand). Cytogenetic location: 9p13.3.
Variant type: single nucleotide variant.
Coding change: c.1016A>T on transcript NM_004629.2 (MANE Select); coding-DNA position 1016, A replaced by T.
Protein change: p.His339Leu; replaces histidine 339 with leucine.
Molecular consequence: missense variant.
Genome position (GRCh38, 1-based): chr9:35,076,492, T>A on the plus strand (A>T on the coding strand, the complement: FANCG is on the minus strand). VCF-style: chr9-35076492-T-A. GRCh37 (hg19) VCF-style: chr9-35076489-T-A.
Other names: short protein forms H339L.
Identifiers: ClinVar variation 4254484 (VCV004254484.1).